The following is an entry in ClinVar:

ClinVar aggregate classification (germline): Uncertain significance. Review status: criteria provided, multiple submitters, no conflicts (2 of 4 stars). 2 submissions from 2 submitters: Uncertain significance (2). Last evaluated 2025-12-02.

Conditions:
Hereditary cancer-predisposing syndrome. Also called: Hereditary neoplastic syndrome; Neoplastic Syndromes, Hereditary; Tumor predisposition; Hereditary Cancer Syndrome. Identifiers: Orphanet 140162, MedGen C0027672, MeSH D009386, MONDO:0015356.
Hereditary diffuse gastric adenocarcinoma (HDGC). Also called: DIFFUSE GASTRIC AND LOBULAR BREAST CANCER SYNDROME. Identifiers: Orphanet 26106, MedGen C1708349, MONDO:0007648, OMIM 137215.

Allele frequency attached by ClinVar (database versions not stated): gnomAD exomes below 0.00001; TOPMed 0.00001.
gnomAD v4.1: 6 of 1,614,196 alleles (0.00037%); highest among the groups gnomAD compares: Non-Finnish European, 0.00051%; no homozygotes.

Submissions (2):

Ambry Genetics
Classification: Uncertain significance for Hereditary cancer-predisposing syndrome. Last evaluated: 2025-12-02. Review status: criteria provided, single submitter. Criteria: Ambry Variant Classification Scheme 2023. Collection method: clinical testing. Allele origin: germline.
Comment: The p.L436M variant (also known as c.1306T>A), located in coding exon 9 of the CDH1 gene, results from a T to A substitution at nucleotide position 1306. The leucine at codon 436 is replaced by methionine, an amino acid with highly similar properties. This amino acid position is well conserved in available vertebrate species. In addition, this alteration is predicted to be tolerated by in silico analysis. Since supporting evidence is limited at this time, the clinical significance of this alteration remains unclear.

Labcorp Genetics (formerly Invitae), Labcorp
Classification: Uncertain significance for Hereditary diffuse gastric adenocarcinoma. Last evaluated: 2025-02-19. Review status: criteria provided, single submitter. Criteria: Invitae Variant Classification Sherloc (09022015). Collection method: clinical testing. Allele origin: germline.
Comment: This sequence change replaces leucine, which is neutral and non-polar, with methionine, which is neutral and non-polar, at codon 436 of the CDH1 protein (p.Leu436Met). This variant is not present in population databases (gnomAD no frequency). This variant has not been reported in the literature in individuals affected with CDH1-related conditions. ClinVar contains an entry for this variant (Variation ID: 463709). An algorithm developed to predict the effect of missense changes on protein structure and function (PolyPhen-2) suggests that this variant is likely to be disruptive. In summary, the available evidence is currently insufficient to determine the role of this variant in disease. Therefore, it has been classified as a Variant of Uncertain Significance.

NM_004360.5(CDH1):c.1306T>A (p.Leu436Met)

Gene: CDH1 (cadherin 1; plus strand). Cytogenetic location: 16q22.1.
Variant type: single nucleotide variant.
Coding change: c.1306T>A on transcript NM_004360.5 (MANE Select); coding-DNA position 1306, T replaced by A.
Protein change: p.Leu436Met; replaces leucine 436 with methionine.
Molecular consequence: missense variant. On other transcripts: 5 prime UTR variant (2), intron variant (1).
Genome position (GRCh38, 1-based): chr16:68,813,481, T>A. VCF-style: chr16-68813481-T-A. GRCh37 (hg19) VCF-style: chr16-68847384-T-A.
Other names: c.1306T>A (LRG_301t1); c.-310T>A (NM_001317185.2); c.-514T>A (NM_001317186.2); c.1137+1218T>A (NM_001317184.2); short protein forms L436M.
Identifiers: ClinVar variation 463709 (VCV000463709.12), dbSNP rs1555515917, ClinGen allele CA396461884.
Genomic context (GRCh38, chr16:68,813,481, plus strand): 5'-TTGAATGATGATGGTGGACAATTTGTCGTCACCACAAATCCAGTGAACAACGATGGCATT[T>A]TGAAAACAGCAAAGGTTTGTATGGTACCTGGCAAGATGCAGAAACTGGCATCCTCACAGC-3'
Protein context (NP_004351.1, residues 426-446): TTNPVNNDGI[Leu436Met]KTAKGLDFEA